The following is an entry in ClinVar:

NM_001165963.4(SCN1A):c.4339-1G>A

Genes: SCN1A (sodium voltage-gated channel alpha subunit 1; minus strand), LOC102724058 (uncharacterized LOC102724058; plus strand). Cytogenetic location: 2q24.3.
Variant type: single nucleotide variant.
Coding change: c.4339-1G>A on transcript NM_001165963.4 (MANE Select); the canonical splice acceptor site of the intron before coding-DNA position 4339, G replaced by A.
Molecular consequence: splice acceptor variant.
Genome position (GRCh38, 1-based): chr2:165,998,176, C>T on the plus strand (G>A on the coding strand, the complement: SCN1A is on the minus strand). VCF-style: chr2-165998176-C-T. GRCh37 (hg19) VCF-style: chr2-166854686-C-T.
Other names: c.4306-1G>A (NM_001353949.2, NM_001353950.2, NM_001353951.2 and 2 more transcripts); c.4255-1G>A (NM_001353958.2, NM_001353957.2, NM_001165964.3); c.4339-1G>A (NM_001202435.3, NM_001353948.2); c.4303-1G>A (NM_001353955.2, NM_001353954.2); c.4252-1G>A (NM_001353960.2); c.1897-1G>A (NM_001353961.2).
Identifiers: ClinVar variation 461271 (VCV000461271.12), dbSNP rs1553522517, ClinGen allele CA349049517.

ClinVar aggregate classification (germline): Pathogenic (1 of 4 stars; one submission).

Conditions:
Early-infantile DEE. Also called: Early infantile epileptic encephalopathy; Ohtahara syndrome; Early infantile epileptic encephalopathy with suppression bursts. Identifiers: Orphanet 1934, MedGen C0393706, MONDO:0800491.

Submission:

Labcorp Genetics (formerly Invitae), Labcorp
Classification: Pathogenic for Early-infantile DEE. Last evaluated: 2023-12-08. Review status: criteria provided, single submitter. Criteria: Invitae Variant Classification Sherloc (09022015). Collection method: clinical testing. Allele origin: germline.
Comment: This sequence change affects an acceptor splice site in intron 22 of the SCN1A gene. It is expected to disrupt RNA splicing. Variants that disrupt the donor or acceptor splice site typically lead to a loss of protein function (PMID: 16199547), and loss-of-function variants in SCN1A are known to be pathogenic (PMID: 17347258, 18930999). This variant is not present in population databases (gnomAD no frequency). Disruption of this splice site has been observed in individual(s) with Dravet syndrome/severe myoclonic epilepsy of infancy (PMID: 12821740, 29142202). In at least one individual the variant was observed to be de novo. ClinVar contains an entry for this variant (Variation ID: 461271). Algorithms developed to predict the effect of sequence changes on RNA splicing suggest that this variant may disrupt the consensus splice site. For these reasons, this variant has been classified as Pathogenic.

Literature cited by the submitters: PubMed 16199547; PubMed 17347258; PubMed 18930999; PubMed 12821740; PubMed 29142202.